The following is an entry in ClinVar:

NM_001267550.2(TTN):c.47506C>T (p.Gln15836Ter)

Genes: TTN (titin; minus strand), TTN-AS1 (TTN antisense RNA 1; plus strand). Cytogenetic location: 2q31.2.
Variant type: single nucleotide variant.
Coding change: c.47506C>T on transcript NM_001267550.2 (MANE Select); coding-DNA position 47506, C replaced by T.
Protein change: p.Gln15836Ter; replaces glutamine 15836 with a stop codon.
Molecular consequence: nonsense.
Genome position (GRCh38, 1-based): chr2:178,617,845, G>A on the plus strand (C>T on the coding strand, the complement: TTN is on the minus strand). VCF-style: chr2-178617845-G-A. GRCh37 (hg19) VCF-style: chr2-179482572-G-A.
Other names: c.42583C>T, p.Gln14195Ter (NM_001256850.1); c.20311C>T, p.Gln6771Ter (NM_003319.4); c.20686C>T, p.Gln6896Ter (NM_133432.3); c.20887C>T, p.Gln6963Ter (NM_133437.4); c.39802C>T, p.Gln13268Ter (NM_133378.4); short protein forms Q15836*, Q13268*, Q14195*, Q6771*, Q6896*, Q6963*.
Identifiers: ClinVar variation 47012 (VCV000047012.11), dbSNP rs397517589, ClinGen allele CA261868.

ClinVar aggregate classification (germline): Likely pathogenic. Review status: criteria provided, multiple submitters, no conflicts (2 of 4 stars). 2 submissions from 2 submitters: Likely pathogenic (2). Last evaluated 2021-10-07.

Conditions:
Dilated cardiomyopathy 1G (CMD1G). Identifiers: Orphanet 154, MedGen C1858763, MONDO:0011400, OMIM 604145.
Autosomal recessive limb-girdle muscular dystrophy type 2J (LGMDR10). Also called: Limb-girdle muscular dystrophy, type 2J; MUSCULAR DYSTROPHY, LIMB-GIRDLE, AUTOSOMAL RECESSIVE 10. Identifiers: Orphanet 140922, MedGen C1837342, MONDO:0012127, OMIM 608807.
Primary dilated cardiomyopathy (DCM). Also called: Dilated Cardiomyopathy. Identifiers: Orphanet 217604, MedGen C0007193, MeSH D002311, MONDO:0005021, HP:0001644. Inheritance: Various modes of inheritance.

Submissions (2):

Labcorp Genetics (formerly Invitae), Labcorp
Classification: Likely pathogenic for Dilated cardiomyopathy 1G; Autosomal recessive limb-girdle muscular dystrophy type 2J. Last evaluated: 2021-10-07. Review status: criteria provided, single submitter. Criteria: Invitae Variant Classification Sherloc (09022015). Collection method: clinical testing. Allele origin: germline.
Comment: This variant is not present in population databases (ExAC no frequency). This variant is located in the A band of TTN (PMID: 25589632). Truncating variants in this region are significantly overrepresented in patients affected with dilated cardiomyopathy (PMID: 25589632). Truncating variants in this region have also been reported in individuals affected with autosomal recessive centronuclear myopathy (PMID: 23975875). This sequence change creates a premature translational stop signal (p.Gln15836*) in the TTN gene. While this is not anticipated to result in nonsense mediated decay, it is expected to create a truncated TTN protein. In summary, the currently available evidence indicates that the variant is pathogenic, but additional data are needed to prove that conclusively. Therefore, this variant has been classified as Likely Pathogenic. ClinVar contains an entry for this variant (Variation ID: 47012). This variant has not been reported in the literature in individuals affected with TTN-related conditions.

Laboratory for Molecular Medicine, Mass General Brigham Personalized Medicine
Classification: Likely pathogenic for Primary dilated cardiomyopathy. Last evaluated: 2013-01-16. Review status: criteria provided, single submitter. Criteria: LMM Criteria. Collection method: clinical testing. Allele origin: germline. Observed: 1 variant allele.
Comment: The Gln13268X variant in TTN has not been reported in the literature nor previou sly identified by our laboratory. This variant has not been identified in large European American and African American populations by the NHLBI Exome Sequencing Project, which increases the likelihood tha t it is pathogenic. However, we cannot exclude that it may be common in other po pulations. This nonsense variant leads to a premature termination codon at posit ion 13268, which is predicted to lead to a truncated or absent protein. Frameshi ft and other truncating variants are strongly associated with DCM and the majori ty occur in the A-band (Herman 2012, LMM unpublished data), where this variant i s located. In summary, the available data supports that the Gln13268X variant is likely to be pathogenic, though additional studies are needed to fully establis h its clinical significance.

Literature cited by the submitters: PubMed 25589632 (cited by Labcorp Genetics (formerly Invitae), Labcorp); PubMed 23975875 (cited by Labcorp Genetics (formerly Invitae), Labcorp).